The following is an entry in ClinVar:

NM_001148.6(ANK2):c.4704T>G (p.Ser1568Arg)

Gene: ANK2 (ankyrin 2; plus strand). Cytogenetic location: 4q26.
Variant type: single nucleotide variant.
Coding change: c.4704T>G on transcript NM_001148.6 (MANE Select); coding-DNA position 4704, T replaced by G.
Protein change: p.Ser1568Arg; replaces serine 1568 with arginine.
Molecular consequence: missense variant. On other transcripts: intron variant (68).
Genome position (GRCh38, 1-based): chr4:113,353,322, T>G. VCF-style: chr4-113353322-T-G. GRCh37 (hg19) VCF-style: chr4-114274478-T-G.
Other names: c.4360+3073T>G (NM_001354256.2, NM_001386161.1, NM_001354244.2); c.1990+3073T>G (NM_001354282.2, NM_001354279.2); c.1975+3073T>G (NM_001354280.2); c.1954+3073T>G (NM_001354278.2, NM_001354281.2); c.826+3073T>G (NM_001386167.1); c.4363+3073T>G (NM_001386143.1, NM_001354243.2, NM_001354255.2); c.4264+3073T>G (NM_001354262.2, NM_001354275.2, NM_001354245.2); c.4201+3073T>G (NM_001354253.2, NM_001354270.2); and 35 more; short protein forms S1490R, S1568R, S1615R, S368R, S1607R.
Identifiers: ClinVar variation 2823896 (VCV002823896.3), dbSNP rs2505208793, ClinGen allele CA357915391.

ClinVar aggregate classification (germline): Uncertain significance (1 of 4 stars; one submission).

Conditions:
Long QT syndrome (LQTS). Identifiers: MedGen C0023976, MeSH D008133, MONDO:0002442. Disease mechanism: loss of function. Inheritance: Various modes of inheritance.

Submission:

Labcorp Genetics (formerly Invitae), Labcorp
Classification: Uncertain significance for Long QT syndrome. Last evaluated: 2022-12-24. Review status: criteria provided, single submitter. Criteria: Invitae Variant Classification Sherloc (09022015). Collection method: clinical testing. Allele origin: germline.
Comment: This sequence change replaces serine, which is neutral and polar, with arginine, which is basic and polar, at codon 1568 of the ANK2 protein (p.Ser1568Arg). This variant is not present in population databases (gnomAD no frequency). This variant has not been reported in the literature in individuals affected with ANK2-related conditions. Algorithms developed to predict the effect of missense changes on protein structure and function are either unavailable or do not agree on the potential impact of this missense change (SIFT: "Tolerated"; PolyPhen-2: "Possibly Damaging"; Align-GVGD: "Class C0"). In summary, the available evidence is currently insufficient to determine the role of this variant in disease. Therefore, it has been classified as a Variant of Uncertain Significance.